The following is an entry in ClinVar:

ClinVar aggregate classification (germline): Likely benign. Review status: criteria provided, multiple submitters, no conflicts (2 of 4 stars). 3 submissions from 3 submitters: Likely benign (3). Last evaluated 2026-08-01.

Conditions:
Arterial tortuosity syndrome (ATORS). Identifiers: Orphanet 3342, MedGen C1859726, MONDO:0008818, OMIM 208050.
Familial thoracic aortic aneurysm and aortic dissection (TAAD). Also called: Thoracic aortic aneurysms and dissections. Identifiers: Orphanet 91387, MedGen C4707243, MONDO:0019625.

Allele frequency attached by ClinVar (database versions not stated): TOPMed 0.00001; ExAC 0.00002; gnomAD 0.00003; 1000 Genomes Project 0.00040; 1000 Genomes Project 30x 0.00047.
gnomAD v4.1: 9 of 1,614,174 alleles (0.00056%); highest among the groups gnomAD compares: East Asian, 0.018%; no homozygotes.

Submissions (3):

CeGaT Center for Human Genetics Tuebingen
Classification: Likely benign. Last evaluated: 2026-08-01. Review status: criteria provided, single submitter. Criteria: CeGaT Center For Human Genetics Tuebingen Variant Classification Criteria Version 2. Collection method: clinical testing. Allele origin: germline. Affected: yes. Observed: 1 variant allele.
Comment: SLC2A10: BP4, BP7

Labcorp Genetics (formerly Invitae), Labcorp
Classification: Likely benign for Arterial tortuosity syndrome. Last evaluated: 2024-03-08. Review status: criteria provided, single submitter. Criteria: Invitae Variant Classification Sherloc (09022015). Collection method: clinical testing. Allele origin: germline.

Ambry Genetics
Classification: Likely benign for Familial thoracic aortic aneurysm and aortic dissection. Last evaluated: 2019-11-21. Review status: criteria provided, single submitter. Criteria: Ambry Variant Classification Scheme 2023. Collection method: clinical testing. Allele origin: germline.

NM_030777.4(SLC2A10):c.699A>C (p.Thr233=)

Gene: SLC2A10 (solute carrier family 2 member 10; plus strand). Cytogenetic location: 20q13.12.
Variant type: single nucleotide variant.
Coding change: c.699A>C on transcript NM_030777.4 (MANE Select); coding-DNA position 699, A replaced by C.
Protein change: p.Thr233=; no amino-acid change (threonine 233 retained).
Molecular consequence: synonymous variant.
Genome position (GRCh38, 1-based): chr20:46,725,735, A>C. VCF-style: chr20-46725735-A-C. GRCh37 (hg19) VCF-style: chr20-45354374-A-C.
Identifiers: ClinVar variation 1756501 (VCV001756501.6), dbSNP rs546032251, ClinGen allele CA9892028.